The following is an entry in ClinVar:

NM_004260.4(RECQL4):c.2237C>T (p.Ala746Val)

Gene: RECQL4 (RecQ like helicase 4; minus strand). Cytogenetic location: 8q24.3.
Variant type: single nucleotide variant.
Coding change: c.2237C>T on transcript NM_004260.4 (MANE Select); coding-DNA position 2237, C replaced by T.
Protein change: p.Ala746Val; replaces alanine 746 with valine.
Molecular consequence: missense variant.
Genome position (GRCh38, 1-based): chr8:144,513,444, G>A on the plus strand (C>T on the coding strand, the complement: RECQL4 is on the minus strand). VCF-style: chr8-144513444-G-A. GRCh37 (hg19) VCF-style: chr8-145738828-G-A.
Other names: short protein forms A746V.
Identifiers: ClinVar variation 239719 (VCV000239719.20), dbSNP rs201883228, ClinGen allele CA4948369.

ClinVar aggregate classification (germline): Uncertain significance. Review status: criteria provided, multiple submitters, no conflicts (2 of 4 stars). 6 submissions from 6 submitters: Uncertain significance (6). Last evaluated 2026-08-04.

Conditions:
RECQL4-related disorder. Also called: RECQL4-related condition; RECQL4-related disorders.
Rothmund-Thomson syndrome type 2 (RTS2). Identifiers: Orphanet 221016, MedGen C5203410, MONDO:0016369, OMIM 268400.
Inborn genetic diseases. Identifiers: MedGen C0950123, MeSH D030342.
Baller-Gerold syndrome (BGS). Also called: CRANIOSYNOSTOSIS WITH RADIAL DEFECTS. Identifiers: Orphanet 1225, MedGen C0265308, MONDO:0009039, OMIM 218600.

Allele frequency attached by ClinVar (database versions not stated): ESP Exome Variant Server 0.00008; 1000 Genomes Project 0.00040; 1000 Genomes Project 30x 0.00047.

Submissions (7):

PreventionGenetics, part of Exact Sciences
Classification: Uncertain significance for RECQL4-related condition. Last evaluated: 2026-08-04. Review status: criteria provided, single submitter. Criteria: ACMG Guidelines, 2015. Collection method: clinical testing. Allele origin: germline.
Comment: The RECQL4 c.2237C>T variant is predicted to result in the amino acid substitution p.Ala746Val. This variant has been reported in an individual with nonsyndromic sagittal craniosynostosis; however, the zygosity or presence of a second variant was not specified (Sewda et al. 2019. PubMed ID: 30651579). This variant is reported in 0.082% of alleles in individuals of Latino descent in gnomAD and in ClinVar this variant has been interpreted as uncertain (Variation ID: 239719). At this time, the clinical significance of this variant is uncertain due to the absence of conclusive functional and genetic evidence.

Labcorp Genetics (formerly Invitae), Labcorp
Classification: Uncertain significance for Baller-Gerold syndrome. Last evaluated: 2025-01-30. Review status: criteria provided, single submitter. Criteria: Invitae Variant Classification Sherloc (09022015). Collection method: clinical testing. Allele origin: germline.
Comment: This sequence change replaces alanine, which is neutral and non-polar, with valine, which is neutral and non-polar, at codon 746 of the RECQL4 protein (p.Ala746Val). This variant is present in population databases (rs201883228, gnomAD 0.08%). This missense change has been observed in individual(s) with sagittal craniosynostosis (PMID: 30651579). ClinVar contains an entry for this variant (Variation ID: 239719). Invitae Evidence Modeling of protein sequence and biophysical properties (such as structural, functional, and spatial information, amino acid conservation, physicochemical variation, residue mobility, and thermodynamic stability) indicates that this missense variant is expected to disrupt RECQL4 protein function with a positive predictive value of 80%. In summary, the available evidence is currently insufficient to determine the role of this variant in disease. Therefore, it has been classified as a Variant of Uncertain Significance.

Blueprint Genetics
Classification: Uncertain significance. Last evaluated: 2024-10-15. Review status: criteria provided, single submitter. Criteria: ACMG Guidelines, 2015. Collection method: clinical testing. Allele origin: germline.

St. Jude Molecular Pathology, St. Jude Children's Research Hospital
Classification: Uncertain significance for Rothmund-Thomson syndrome type 2. Last evaluated: 2024-05-01. Review status: criteria provided, single submitter. Criteria: St. Jude Assertion Criteria 2020. Collection method: clinical testing. Allele origin: germline.

GeneDx
Classification: Uncertain significance. Last evaluated: 2023-02-08. Review status: criteria provided, single submitter. Criteria: GeneDx Variant Classification Process June 2021. Collection method: clinical testing. Allele origin: germline. Affected: yes.
Comment: Reported in an individual with sagittal synostosis, but further clinical information, information on the zygosity or presence of a second RECQL4 variant, and familial segregation information were not included (Sewda et al., 2019); In silico analysis, which includes protein predictors and evolutionary conservation, supports a deleterious effect; This variant is associated with the following publications: (PMID: 31555317, 30651579, 34426522)

Ambry Genetics
Classification: Uncertain significance for Inborn genetic diseases. Last evaluated: 2021-04-28. Review status: criteria provided, single submitter. Criteria: Ambry Variant Classification Scheme 2023. Collection method: clinical testing. Allele origin: germline.

Dr. Peter K. Rogan Lab, Western University
No classification provided (evidence only). Condition: Uterine corpus endometrial carcinoma. Review status: no classification provided. Collection method: in vitro. Allele origin: not applicable. Functional consequence: retained intron. Not counted in ClinVar's aggregate classification.

Literature cited by the submitters: PubMed 30651579 (cited by Labcorp Genetics (formerly Invitae), Labcorp and Ambry Genetics).